The following is an entry in ClinVar:

NM_001199799.2(ILDR1):c.723G>T (p.Gly241=)

Gene: ILDR1 (immunoglobulin like domain containing receptor 1; minus strand). Cytogenetic location: 3q13.33.
Variant type: single nucleotide variant.
Coding change: c.723G>T on transcript NM_001199799.2 (MANE Select); coding-DNA position 723, G replaced by T.
Protein change: p.Gly241=; no amino-acid change (glycine 241 retained).
Molecular consequence: synonymous variant. On other transcripts: intron variant (1).
Genome position (GRCh38, 1-based): chr3:121,994,237, C>A on the plus strand (G>T on the coding strand, the complement: ILDR1 is on the minus strand). VCF-style: chr3-121994237-C-A. GRCh37 (hg19) VCF-style: chr3-121713084-C-A.
Other names: c.456G>T, p.Gly152= (NM_001199800.2); c.647-267G>T (NM_175924.4).
Identifiers: ClinVar variation 4992095 (VCV004992095.1).

ClinVar aggregate classification (germline): Likely benign (1 of 4 stars; one submission).

Conditions:
ILDR1-related disorder. Also called: ILDR1-related condition.

gnomAD v4.1: 98 of 1,536,104 alleles (0.0064%); highest among the groups gnomAD compares: Non-Finnish European, 0.0081%; no homozygotes.

Submission:

PreventionGenetics, part of Exact Sciences
Classification: Likely benign for ILDR1-related condition. Last evaluated: 2025-04-26. Review status: criteria provided, single submitter. Criteria: ACMG Guidelines, 2015. Collection method: clinical testing. Allele origin: germline.
Comment: This variant is classified as likely benign based on ACMG/AMP sequence variant interpretation guidelines (Richards et al. 2015 PMID: 25741868, with internal and published modifications).